The following is an entry in ClinVar:

ClinVar aggregate classification (germline): Likely pathogenic. Review status: reviewed by expert panel (3 of 4 stars). 3 submissions from 3 submitters: Likely pathogenic (1). 2 of the submissions do not count toward it. Last evaluated 2025-01-15.

Conditions:
Hereditary thrombocytopenia and hematologic cancer predisposition syndrome. Identifiers: Orphanet 71290, MedGen CN281654, MONDO:0011071.
Inborn genetic diseases. Identifiers: MedGen C0950123, MeSH D030342.
Hereditary thrombocytopenia and hematological cancer predisposition syndrome associated with RUNX1. Also called: PLATELET DISORDER, ASPIRIN-LIKE; RUNX1 Familial Platelet Disorder with Associated Myeloid Malignancies; Familial Platelet Disorder with Propensity to Acute Myelogenous Leukemia; Familial thrombocytopenia with propensity to acute myelogenous leukemia. Identifiers: Orphanet 71290, MedGen C1832388, MeSH C563324, MONDO:0100083, OMIM 601399.

Submissions (3):

ClinGen Myeloid Malignancy Variant Curation Expert Panel
Classification: Likely pathogenic for Hereditary thrombocytopenia and hematologic cancer predisposition syndrome. Last evaluated: 2025-01-15. Review status: reviewed by expert panel. Criteria: ClinGen MyeloMalig ACMG Specifications v2. Collection method: curation. Allele origin: germline. Inheritance: Autosomal dominant inheritance.
Comment: NM_001754.5(RUNX1):c.805+1G>T is canonical splice site variant which affects a donor splice site in intron 7. According to the Myeloid Malignancy VCEP rules for RUNX1, the donor splice site mutation will skip intron 7 with an in-frame deletion of delta206-269 and an R205N (AGG>AAT) mutation, removing 13% of the protein (PVS1_strong). This variant is completely absent from all population databases with at least 20x coverage for RUNX1 (gnomAD v2.1.1 and v3). In summary, this variant meets the criteria to be classified as likely pathogenic. ACMG/AMP criteria have been applied, as specified by the Myeloid Malignancy Variant Curation Expert Panel for RUNX1: PM2_supporting, PVS1_strong, PS4_supporting.

Ambry Genetics
Classification: Likely pathogenic for Inborn genetic diseases. Last evaluated: 2025-02-12. Review status: criteria provided, single submitter. Criteria: Ambry Variant Classification Scheme 2023. Collection method: clinical testing. Allele origin: germline. Not counted in ClinVar's aggregate classification.
Comment: The c.805+1G>T intronic variant results from a G to T substitution one nucleotide after coding exon 6 of the RUNX1 gene. Alterations that disrupt the canonical splice site are expected to cause aberrant splicing, resulting in an abnormal protein or a transcript that is subject to nonsense-mediated mRNA decay. In silico splice site analysis predicts that this alteration will weaken the native splice donor site and may result in the creation or strengthening of a novel splice donor site. RNA studies have demonstrated that this alteration results in abnormal splicing in the set of samples tested (Ambry internal data). This variant is considered to be rare based on population cohorts in the Genome Aggregation Database (gnomAD). As such, this alteration is classified as likely pathogenic.

Labcorp Genetics (formerly Invitae), Labcorp
Classification: Likely pathogenic for Hereditary thrombocytopenia and hematological cancer predisposition syndrome associated with RUNX1. Last evaluated: 2024-03-19. Review status: criteria provided, single submitter. Criteria: Invitae Variant Classification Sherloc (09022015). Collection method: clinical testing. Allele origin: germline. Not counted in ClinVar's aggregate classification.
Comment: This sequence change affects a donor splice site in intron 7 of the RUNX1 gene. It is expected to disrupt RNA splicing. Variants that disrupt the donor or acceptor splice site typically lead to a loss of protein function (PMID: 16199547), and loss-of-function variants in RUNX1 are known to be pathogenic (PMID: 18723428, 24100448). This variant is not present in population databases (gnomAD no frequency). This variant has not been reported in the literature in individuals affected with RUNX1-related conditions. ClinVar contains an entry for this variant (Variation ID: 1348351). Algorithms developed to predict the effect of sequence changes on RNA splicing suggest that this variant may disrupt the consensus splice site. In summary, the currently available evidence indicates that the variant is pathogenic, but additional data are needed to prove that conclusively. Therefore, this variant has been classified as Likely Pathogenic.

Literature cited by the submitters: PubMed 16199547 (cited by Labcorp Genetics (formerly Invitae), Labcorp); PubMed 18723428 (cited by Labcorp Genetics (formerly Invitae), Labcorp); PubMed 24100448 (cited by Labcorp Genetics (formerly Invitae), Labcorp).

NM_001754.5(RUNX1):c.805+1G>T

Gene: RUNX1 (RUNX family transcription factor 1; minus strand). Cytogenetic location: 21q22.12.
Variant type: single nucleotide variant.
Coding change: c.805+1G>T on transcript NM_001754.5 (MANE Select); the canonical splice donor site of the intron after coding-DNA position 805, G replaced by T.
Molecular consequence: splice donor variant.
Genome position (GRCh38, 1-based): chr21:34,834,409, C>A on the plus strand (G>T on the coding strand, the complement: RUNX1 is on the minus strand). VCF-style: chr21-34834409-C-A. GRCh37 (hg19) VCF-style: chr21-36206706-C-A.
Other names: c.724+1G>T (NM_001001890.3, NM_001122607.2); c.805+1G>T (NM_001754.4).
Identifiers: ClinVar variation 1348351 (VCV001348351.11), dbSNP rs2146074371, ClinGen allele CA410206641.